The following is an entry in ClinVar:

NM_024411.5(PDYN):c.414G>T (p.Arg138Ser)

Genes: PDYN (prodynorphin; minus strand), PDYN-AS1 (PDYN antisense RNA 1; plus strand). Cytogenetic location: 20p13.
Variant type: single nucleotide variant.
Coding change: c.414G>T on transcript NM_024411.5 (MANE Select); coding-DNA position 414, G replaced by T.
Protein change: p.Arg138Ser; replaces arginine 138 with serine.
Molecular consequence: missense variant.
Genome position (GRCh38, 1-based): chr20:1,980,674, C>A on the plus strand (G>T on the coding strand, the complement: PDYN is on the minus strand). VCF-style: chr20-1980674-C-A. GRCh37 (hg19) VCF-style: chr20-1961320-C-A.
Other names: c.414G>T, p.Arg138Ser (NM_001190892.1, NM_001190898.3, NM_001190899.2 and 1 more transcripts); short protein forms R138S.
Identifiers: ClinVar variation 18458 (VCV000018458.51), dbSNP rs267606941, ClinGen allele CA257551.
Genomic context (GRCh38, chr20:1,980,674, plus strand): 5'-AGTCTCCATGGCACCATCGTTCAGCTGGGCATCCCTCATCAGCTCAGACTCTGCTCCCTC[C>A]CTAAACCCGTCAGAGAGACCCCTGAGCTTCTCCTCCAGGCTCTTGCTCAGAGTGTTCTCC-3'
Protein context (NP_077722.1, residues 128-148): EKLRGLSDGF[Arg138Ser]EGAESELMRD

ClinVar aggregate classification (germline): Conflicting classifications of pathogenicity. Review status: criteria provided, conflicting classifications (1 of 4 stars). 10 submissions from 10 submitters: Pathogenic (2); Likely pathogenic (2); Uncertain significance (4); Likely benign (1). 1 of the submissions does not count toward it. Last evaluated 2025-12-27.

Conditions:
PDYN-related disorder. Also called: PDYN-related condition.
Spinocerebellar ataxia type 23 (SCA23). Identifiers: Orphanet 101108, MedGen C1853250, MONDO:0012449, OMIM 610245.

Allele frequency attached by ClinVar (database versions not stated): ExAC 0.00005; gnomAD exomes 0.00006; gnomAD 0.00007 and 0.00008; TOPMed 0.00007; ESP Exome Variant Server 0.00008.
gnomAD v4.1: 84 of 1,614,078 alleles (0.0052%); highest among the groups gnomAD compares: Admixed American, 0.01%; no homozygotes.

Submissions (10):

Dasa
Classification: Uncertain significance for Spinocerebellar ataxia type 23. Last evaluated: 2025-12-27. Review status: criteria provided, single submitter. Criteria: DASA Assertion Criteria. Collection method: clinical testing. Allele origin: germline.
Comment: NM_024411.5(PDYN):c.414G>T (p.Arg138Ser) is a missense variant that results in the substitution of arginine with serine. This variant is rare in population databases. The currently available literature and clinical evidence are not sufficient to establish a definitive association between this variant and the reported condition. Therefore, this variant is classified as a variant of uncertain significance.

CeGaT Center for Human Genetics Tuebingen
Classification: Likely pathogenic. Last evaluated: 2025-07-01. Review status: criteria provided, single submitter. Criteria: CeGaT Center For Human Genetics Tuebingen Variant Classification Criteria Version 2. Collection method: clinical testing. Allele origin: germline. Affected: yes. Observed: 2 variant alleles.
Comment: PDYN: PP1:Strong, PS4:Moderate, PM2:Supporting, PS3:Supporting, BP4

PreventionGenetics, part of Exact Sciences
Classification: Uncertain significance for PDYN-related condition. Last evaluated: 2025-03-10. Review status: criteria provided, single submitter. Criteria: ACMG Guidelines, 2015. Collection method: clinical testing. Allele origin: germline.
Comment: The PDYN c.414G>T variant is predicted to result in the amino acid substitution p.Arg138Ser. This variant was reported in an individual and segregated in a large family with spinocerebellar ataxia 23 (Bakalkin et al. 2010. PubMed ID: 21035104; Fogel et al. 2013. PubMed ID: 22287014). Functional analysis of this variant showed that it impacted the processing of precursor protein into opioid peptides (Bakalkin et al. 2010. PubMed ID: 21035104). This variant is reported in 0.011% of alleles in individuals of Latino descent in gnomAD. This variant has conflicting interpretations in ClinVar ranging from pathogenic to uncertain. Although we suspect that this variant may be pathogenic, at this time, the clinical significance of this variant is uncertain due to the absence of conclusive functional and genetic evidence.

Labcorp Genetics (formerly Invitae), Labcorp
Classification: Pathogenic. Last evaluated: 2024-04-15. Review status: criteria provided, single submitter. Criteria: Invitae Variant Classification Sherloc (09022015). Collection method: clinical testing. Allele origin: germline.
Comment: This sequence change replaces arginine, which is basic and polar, with serine, which is neutral and polar, at codon 138 of the PDYN protein (p.Arg138Ser). This variant is present in population databases (rs267606941, gnomAD 0.01%). This missense change has been observed in individual(s) with clinical features of spinocerebellar ataxia (PMID: 21035104, 22287014, 23355175). It has also been observed to segregate with disease in related individuals. ClinVar contains an entry for this variant (Variation ID: 18458). Advanced modeling of protein sequence and biophysical properties (such as structural, functional, and spatial information, amino acid conservation, physicochemical variation, residue mobility, and thermodynamic stability) performed at Invitae indicates that this missense variant is not expected to disrupt PDYN protein function with a negative predictive value of 80%. Studies have shown that this missense change alters PDYN gene expression (PMID: 21035104). For these reasons, this variant has been classified as Pathogenic.

Blueprint Genetics
Classification: Likely benign. Last evaluated: 2024-02-02. Review status: criteria provided, single submitter. Criteria: ACMG Guidelines, 2015. Collection method: clinical testing. Allele origin: germline.

Mendelics
Classification: Uncertain significance for Spinocerebellar ataxia type 23. Last evaluated: 2023-09-29. Review status: criteria provided, single submitter. Criteria: Mendelics Assertion Criteria 2017. Collection method: clinical testing. Allele origin: unknown.

GeneDx
Classification: Uncertain significance. Last evaluated: 2023-09-21. Review status: criteria provided, single submitter. Criteria: GeneDx Variant Classification Process June 2021. Collection method: clinical testing. Allele origin: germline. Affected: yes.
Comment: In silico analysis supports that this missense variant does not alter protein structure/function; This variant is associated with the following publications: (PMID: 31589614, 21035104)

Human Genetics Bochum, Ruhr University Bochum
Classification: Likely pathogenic for Spinocerebellar ataxia type 23. Last evaluated: 2023-05-23. Review status: criteria provided, single submitter. Criteria: ACMG Guidelines, 2015. Collection method: clinical testing. Allele origin: germline. Affected: yes.
Comment: ACMG criteria used to clasify this variant: PS4, PS3_MOD, PP1

Institute of Medical Genetics and Applied Genomics, University Hospital Tübingen
Classification: Pathogenic. Last evaluated: 2020-10-23. Review status: criteria provided, single submitter. Criteria: ACMG Guidelines, 2015. Collection method: clinical testing. Allele origin: germline. Inheritance: Unknown mechanism. Affected: yes.

OMIM
Classification: Pathogenic for SPINOCEREBELLAR ATAXIA 23. Last evaluated: 2010-11-12. Review status: no assertion criteria provided. Collection method: literature only. Allele origin: germline. Not counted in ClinVar's aggregate classification.

Literature cited by the submitters: PubMed 21035104 (cited by Labcorp Genetics (formerly Invitae), Labcorp and OMIM); PubMed 22287014 (cited by Labcorp Genetics (formerly Invitae), Labcorp); PubMed 23355175 (cited by Labcorp Genetics (formerly Invitae), Labcorp).